The following is an entry in ClinVar:

NM_001267550.2(TTN):c.103449G>C (p.Met34483Ile)

Genes: TTN-AS1 (TTN antisense RNA 1; plus strand), TTN (titin; minus strand). Cytogenetic location: 2q31.2.
Variant type: single nucleotide variant.
Coding change: c.103449G>C on transcript NM_001267550.2 (MANE Select); coding-DNA position 103449, G replaced by C.
Protein change: p.Met34483Ile; replaces methionine 34483 with isoleucine.
Molecular consequence: missense variant.
Genome position (GRCh38, 1-based): chr2:178,533,166, C>G on the plus strand (G>C on the coding strand, the complement: TTN is on the minus strand). VCF-style: chr2-178533166-C-G. GRCh37 (hg19) VCF-style: chr2-179397893-C-G.
Other names: c.98526G>C, p.Met32842Ile (NM_001256850.1); c.76254G>C, p.Met25418Ile (NM_003319.4); c.95745G>C, p.Met31915Ile (NM_133378.4); c.76629G>C, p.Met25543Ile (NM_133432.3); c.76830G>C, p.Met25610Ile (NM_133437.4); short protein forms M25418I, M25543I, M32842I, M34483I, M25610I, M31915I.
Identifiers: ClinVar variation 1345379 (VCV001345379.7), dbSNP rs1470149812, ClinGen allele CA349414246.

ClinVar aggregate classification (germline): Uncertain significance (1 of 4 stars; one submission).

Conditions:
Dilated cardiomyopathy 1G (CMD1G). Identifiers: Orphanet 154, MedGen C1858763, MONDO:0011400, OMIM 604145.
Autosomal recessive limb-girdle muscular dystrophy type 2J (LGMDR10). Also called: Limb-girdle muscular dystrophy, type 2J; MUSCULAR DYSTROPHY, LIMB-GIRDLE, AUTOSOMAL RECESSIVE 10. Identifiers: Orphanet 140922, MedGen C1837342, MONDO:0012127, OMIM 608807.

Allele frequency attached by ClinVar (database versions not stated): gnomAD exomes below 0.00001; TOPMed below 0.00001.
gnomAD v4.1: 5 of 1,613,948 alleles (0.00031%); highest among the groups gnomAD compares: Non-Finnish European, 0.00042%; no homozygotes.

Submission:

Labcorp Genetics (formerly Invitae), Labcorp
Classification: Uncertain significance for Dilated cardiomyopathy 1G; Autosomal recessive limb-girdle muscular dystrophy type 2J. Last evaluated: 2025-12-02. Review status: criteria provided, single submitter. Criteria: Invitae Variant Classification Sherloc (09022015). Collection method: clinical testing. Allele origin: germline.
Comment: This sequence change replaces methionine, which is neutral and non-polar, with isoleucine, which is neutral and non-polar, at codon 34483 of the TTN protein (p.Met34483Ile). This variant is not present in population databases (gnomAD no frequency). This variant has not been reported in the literature in individuals affected with TTN-related conditions. ClinVar contains an entry for this variant (Variation ID: 1345379). Experimental studies and prediction algorithms are not available or were not evaluated, and the functional significance of this variant is currently unknown. This variant is located in the M band of TTN (PMID: 25589632). Non-truncating variants in this region may be relevant for neuromuscular disorders, but have not been definitively shown to cause cardiomyopathy (PMID: 23975875). In summary, the available evidence is currently insufficient to determine the role of this variant in disease. Therefore, it has been classified as a Variant of Uncertain Significance.

Literature cited by the submitters: PubMed 25589632; PubMed 23975875.